The following is an entry in ClinVar:

ClinVar aggregate classification (germline): Benign/Likely benign. Review status: criteria provided, multiple submitters, no conflicts (2 of 4 stars). 5 submissions from 5 submitters: Benign (4); Likely benign (1). Last evaluated 2026-02-04.

Allele frequency attached by ClinVar (database versions not stated): 1000 Genomes Project 0.54573; ESP Exome Variant Server 0.58304; gnomAD exomes 0.50364 and 0.47379; gnomAD 0.56266 and 0.57334; ExAC 0.47914; 1000 Genomes Project 30x 0.54809; TOPMed 0.57100.
gnomAD v4.1: 818,171 of 1,605,460 alleles (51%); highest among the groups gnomAD compares: African/African-American, 75%; 213,829 homozygotes.

Submissions (5):

Labcorp Genetics (formerly Invitae), Labcorp
Classification: Benign. Last evaluated: 2026-02-04. Review status: criteria provided, single submitter. Criteria: Invitae Variant Classification Sherloc (09022015). Collection method: clinical testing. Allele origin: germline.

Women's Health and Genetics/Laboratory Corporation of America, LabCorp
Classification: Likely benign. Last evaluated: 2026-01-21. Review status: criteria provided, single submitter. Criteria: LabCorp Variant Classification Summary - May 2015. Collection method: clinical testing. Allele origin: germline.

Unidad de Genómica Garrahan, Hospital de Pediatría Garrahan
Classification: Benign. Last evaluated: 2024-01-24. Review status: criteria provided, single submitter. Criteria: ACMG Guidelines, 2015. Collection method: clinical testing. Allele origin: germline. Affected: no. Observed: 70 variant alleles.
Comment: This variant is classified as Benign based on local population frequency. This variant was detected in 74% of patients studied by a panel of primary immunodeficiencies. Number of patients: 70. Only high quality variants are reported.

GeneDx
Classification: Benign. Last evaluated: 2021-05-04. Review status: criteria provided, single submitter. Criteria: GeneDx Variant Classification Process June 2021. Collection method: clinical testing. Allele origin: germline. Affected: yes.

Breakthrough Genomics
Classification: Benign. Review status: criteria provided, single submitter. Criteria: ACMG Guidelines, 2015. Collection method: not provided. Allele origin: germline. Inheritance: Autosomal recessive inheritance. Affected: yes.

NM_001278.5(CHUK):c.802G>A (p.Val268Ile)

Gene: CHUK (component of inhibitor of nuclear factor kappa B kinase complex; minus strand). Cytogenetic location: 10q24.31.
Variant type: single nucleotide variant.
Coding change: c.802G>A on transcript NM_001278.5 (MANE Select); coding-DNA position 802, G replaced by A.
Protein change: p.Val268Ile; replaces valine 268 with isoleucine.
Molecular consequence: missense variant.
Genome position (GRCh38, 1-based): chr10:100,218,126, C>T on the plus strand (G>A on the coding strand, the complement: CHUK is on the minus strand). VCF-style: chr10-100218126-C-T. GRCh37 (hg19) VCF-style: chr10-101977883-C-T.
Other names: c.802G>A, p.Val268Ile (NM_001320928.2); short protein forms V268I.
Identifiers: ClinVar variation 1221248 (VCV001221248.15), dbSNP rs2230804, ClinGen allele CA5646577.
Genomic context (GRCh38, chr10:100,218,126, plus strand): 5'-CTCTCTGCTGAGGGTCCCAATTCAACATCAACTGTAGCCAGTTTTCCATGGGTTCTACTA[C>T]TAAACTAGAAAACATACAAAATAGGGTGAAAATCAAATCATTATGTTCCAATTTCCCTTT-3'
Protein context (NP_001269.3, residues 258-278): LPQPNSLCSL[Val268Ile]VEPMENWLQL